The following is an entry in ClinVar:

NM_018344.6(SLC29A3):c.1168A>T (p.Ile390Phe)

Gene: SLC29A3 (solute carrier family 29 member 3; plus strand). Cytogenetic location: 10q22.1.
Variant type: single nucleotide variant.
Coding change: c.1168A>T on transcript NM_018344.6 (MANE Select); coding-DNA position 1168, A replaced by T.
Protein change: p.Ile390Phe; replaces isoleucine 390 with phenylalanine.
Molecular consequence: missense variant. On other transcripts: 3 prime UTR variant (1), non-coding transcript variant (2).
Genome position (GRCh38, 1-based): chr10:71,362,348, A>T. VCF-style: chr10-71362348-A-T. GRCh37 (hg19) VCF-style: chr10-73122105-A-T.
Other names: c.*397A>T (NM_001174098.2); c.934A>T, p.Ile312Phe (NM_001363518.2); short protein forms I312F, I390F.
Identifiers: ClinVar variation 1501458 (VCV001501458.3), dbSNP rs780141497, ClinGen allele CA5543133.
Genomic context (GRCh38, chr10:71,362,348, plus strand): 5'-CAGGTGCCAGGGCCCAATAGCAAGGCGCTCCCAGGGTTCGTGCTCCTCCGGACCTGCCTC[A>T]TCCCCCTCTTCGTGCTCTGTAACTACCAGCCCCGCGTCCACCTGAAGACTGTGGTCTTCC-3'
Protein context (NP_060814.4, residues 380-400): PGFVLLRTCL[Ile390Phe]PLFVLCNYQP

ClinVar aggregate classification (germline): Uncertain significance (1 of 4 stars; one submission).

Conditions:
H syndrome. Also called: Asrar Facharzt Haque syndrome; HISTIOCYTOSIS AND LYMPHADENOPATHY WITH OR WITHOUT CUTANEOUS, CARDIAC, AND/OR ENDOCRINE FEATURES, JOINT CONTRACTURES, AND/OR DEAFNESS; HYPERPIGMENTATION, CUTANEOUS, WITH HYPERTRICHOSIS, HEPATOSPLENOMEGALY, HEART ANOMALIES, AND HYPOGONADISM WITH OR WITHOUT HEARING LOSS; PIGMENTED HYPERTRICHOSIS WITH INSULIN-DEPENDENT DIABETES MELLITUS; ROSAI-DORFMAN DISEASE, FAMILIAL; SINUS HISTIOCYTOSIS AND MASSIVE LYMPHADENOPATHY. Identifiers: Orphanet 168569, MedGen C1864445, MONDO:0011273, OMIM 602782.

Allele frequency attached by ClinVar (database versions not stated): ExAC 0.00001; gnomAD exomes 0.00001; TOPMed 0.00002; gnomAD 0.00003.
gnomAD v4.1: 49 of 1,613,958 alleles (0.003%); highest among the groups gnomAD compares: Non-Finnish European, 0.0041%; no homozygotes.

Submission:

Labcorp Genetics (formerly Invitae), Labcorp
Classification: Uncertain significance for H syndrome. Last evaluated: 2022-03-19. Review status: criteria provided, single submitter. Criteria: Invitae Variant Classification Sherloc (09022015). Collection method: clinical testing. Allele origin: germline.
Comment: This sequence change replaces isoleucine, which is neutral and non-polar, with phenylalanine, which is neutral and non-polar, at codon 390 of the SLC29A3 protein (p.Ile390Phe). This variant is present in population databases (rs780141497, gnomAD 0.003%). This variant has not been reported in the literature in individuals affected with SLC29A3-related conditions. Algorithms developed to predict the effect of missense changes on protein structure and function are either unavailable or do not agree on the potential impact of this missense change (SIFT: "Deleterious"; PolyPhen-2: "Possibly Damaging"; Align-GVGD: "Class C0"). In summary, the available evidence is currently insufficient to determine the role of this variant in disease. Therefore, it has been classified as a Variant of Uncertain Significance.